The following is an entry in ClinVar:

ClinVar aggregate classification (germline): Conflicting classifications of pathogenicity. Review status: criteria provided, conflicting classifications (1 of 4 stars). 4 submissions from 4 submitters: Uncertain significance (3); Likely benign (1). Last evaluated 2026-08-31.

Conditions:
Dilated cardiomyopathy 1DD (CMD1DD). Identifiers: Orphanet 154, MedGen C2750995, MONDO:0013168, OMIM 613172.
Cardiovascular phenotype. Identifiers: MedGen CN230736.

Allele frequency attached by ClinVar (database versions not stated): gnomAD 0.00001; gnomAD exomes below 0.00001 and 0.00001; TOPMed 0.00001.

Submissions (4):

GeneDx
Classification: Uncertain significance. Last evaluated: 2026-08-31. Review status: criteria provided, single submitter. Criteria: GeneDx Variant Classification Process June 2021. Collection method: clinical testing. Allele origin: germline.
Comment: Has not been previously published as pathogenic or benign to our knowledge; Not observed at significant frequency in large population cohorts (gnomAD); In silico analysis suggests that this missense variant does not alter protein structure/function

Labcorp Genetics (formerly Invitae), Labcorp
Classification: Likely benign for Dilated cardiomyopathy 1DD. Last evaluated: 2025-12-23. Review status: criteria provided, single submitter. Criteria: Invitae Variant Classification Sherloc (09022015). Collection method: clinical testing. Allele origin: germline.

Ambry Genetics
Classification: Uncertain significance for Cardiovascular phenotype. Last evaluated: 2024-08-28. Review status: criteria provided, single submitter. Criteria: Ambry Variant Classification Scheme 2023. Collection method: clinical testing. Allele origin: germline.
Comment: The p.N671D variant (also known as c.2011A>G), located in coding exon 9 of the RBM20 gene, results from an A to G substitution at nucleotide position 2011. The asparagine at codon 671 is replaced by aspartic acid, an amino acid with highly similar properties. This amino acid position is conserved. In addition, this alteration is predicted to be tolerated by in silico analysis. Since supporting evidence is limited at this time, the clinical significance of this alteration remains unclear.

Department of Pathology and Laboratory Medicine, Sinai Health System
Classification: Uncertain significance for Dilated cardiomyopathy 1DD. Last evaluated: 2022-04-08. Review status: criteria provided, single submitter. Criteria: ACMG Guidelines, 2015. Collection method: research. Allele origin: germline.

NM_001134363.3(RBM20):c.2011A>G (p.Asn671Asp)

Gene: RBM20 (RNA binding motif protein 20; plus strand). Cytogenetic location: 10q25.2.
Variant type: single nucleotide variant.
Coding change: c.2011A>G on transcript NM_001134363.3 (MANE Select); coding-DNA position 2011, A replaced by G.
Protein change: p.Asn671Asp; replaces asparagine 671 with aspartic acid.
Molecular consequence: missense variant.
Genome position (GRCh38, 1-based): chr10:110,812,408, A>G. VCF-style: chr10-110812408-A-G. GRCh37 (hg19) VCF-style: chr10-112572166-A-G.
Other names: short protein forms N671D.
Identifiers: ClinVar variation 948749 (VCV000948749.16), dbSNP rs1204905333, ClinGen allele CA378370894.